The following is an entry in ClinVar:

ClinVar aggregate classification (germline): Benign. Review status: criteria provided, multiple submitters, no conflicts (2 of 4 stars). 3 submissions from 3 submitters: Benign (2). 1 of the submissions does not count toward it. Last evaluated 2026-01-06.

Conditions:
Charcot-Marie-Tooth disease type 4B3. Also called: CHARCOT-MARIE-TOOTH DISEASE, DEMYELINATING, TYPE 4B3; Charcot-Marie-Tooth Neuropathy Type 4B3. Identifiers: Orphanet 363981, MedGen C3695063, MONDO:0014117, OMIM 615284.
SBF1-related disorder. Also called: SBF1-related condition.

Allele frequency attached by ClinVar (database versions not stated): gnomAD exomes 0.00094 and 0.00245; ExAC 0.00307; gnomAD 0.00964 and 0.01020; TOPMed 0.01044; ESP Exome Variant Server 0.01088; 1000 Genomes Project 0.01478; 1000 Genomes Project 30x 0.01624.
gnomAD v4.1: 2,893 of 1,601,192 alleles (0.18%); highest among the groups gnomAD compares: African/African-American, 3.3%; 53 homozygotes.

Submissions (3):

Labcorp Genetics (formerly Invitae), Labcorp
Classification: Benign. Last evaluated: 2026-01-06. Review status: criteria provided, single submitter. Criteria: Invitae Variant Classification Sherloc (09022015). Collection method: clinical testing. Allele origin: germline.

ARUP Laboratories, Molecular Genetics and Genomics, ARUP Laboratories
Classification: Benign for Charcot-Marie-Tooth disease type 4B3. Last evaluated: 2023-11-28. Review status: criteria provided, single submitter. Criteria: ARUP Molecular Germline Variant Investigation Process 2024. Collection method: clinical testing. Allele origin: germline.

PreventionGenetics, part of Exact Sciences
Classification: Benign for SBF1-related condition. Last evaluated: 2024-05-30. Review status: no assertion criteria provided. Collection method: clinical testing. Allele origin: germline. Not counted in ClinVar's aggregate classification.
Comment: This variant is classified as benign based on ACMG/AMP sequence variant interpretation guidelines (Richards et al. 2015 PMID: 25741868, with internal and published modifications).

NM_002972.4(SBF1):c.3818G>A (p.Gly1273Asp)

Gene: SBF1 (SET binding factor 1; minus strand). Cytogenetic location: 22q13.33.
Variant type: single nucleotide variant.
Coding change: c.3818G>A on transcript NM_002972.4 (MANE Select); coding-DNA position 3818, G replaced by A.
Protein change: p.Gly1273Asp; replaces glycine 1273 with aspartic acid.
Molecular consequence: missense variant.
Genome position (GRCh38, 1-based): chr22:50,459,263, C>T on the plus strand (G>A on the coding strand, the complement: SBF1 is on the minus strand). VCF-style: chr22-50459263-C-T. GRCh37 (hg19) VCF-style: chr22-50897692-C-T.
Other names: c.3821G>A, p.Gly1274Asp (NM_001365819.1); short protein forms G1273D, G1274D.
Identifiers: ClinVar variation 618864 (VCV000618864.20), dbSNP rs147879775, ClinGen allele CA10316552.